The following is an entry in ClinVar:

ClinVar aggregate classification (germline): Uncertain significance (1 of 4 stars; one submission).

Conditions:
Hereditary cancer-predisposing syndrome. Also called: Tumor predisposition; Neoplastic Syndromes, Hereditary; Hereditary neoplastic syndrome; Hereditary Cancer Syndrome. Identifiers: Orphanet 140162, MedGen C0027672, MeSH D009386, MONDO:0015356.

Submission:

Ambry Genetics
Classification: Uncertain significance for Hereditary cancer-predisposing syndrome. Last evaluated: 2025-08-27. Review status: criteria provided, single submitter. Criteria: Ambry Variant Classification Scheme 2023. Collection method: clinical testing. Allele origin: germline.
Comment: The p.F533I variant (also known as c.1597T>A), located in coding exon 16 of the MUTYH gene, results from a T to A substitution at nucleotide position 1597. The phenylalanine at codon 533 is replaced by isoleucine, an amino acid with highly similar properties. This amino acid position is conserved. In addition, this alteration is predicted to be tolerated by in silico analysis. Based on the available evidence, the clinical significance of this variant remains unclear.

NM_001048174.2(MUTYH):c.1513T>A (p.Phe505Ile)

Gene: MUTYH (mutY DNA glycosylase; minus strand). Cytogenetic location: 1p34.1.
Variant type: single nucleotide variant.
Coding change: c.1513T>A on transcript NM_001048174.2 (MANE Select); coding-DNA position 1513, T replaced by A.
Protein change: p.Phe505Ile; replaces phenylalanine 505 with isoleucine.
Molecular consequence: missense variant. On other transcripts: non-coding transcript variant (7).
Genome position (GRCh38, 1-based): chr1:45,329,359, A>T on the plus strand (T>A on the coding strand, the complement: MUTYH is on the minus strand). VCF-style: chr1-45329359-A-T. GRCh37 (hg19) VCF-style: chr1-45795031-A-T.
Other names: c.1513T>A, p.Phe505Ile (NM_001048171.2, NM_001048173.2, NM_001293195.2 and 6 more transcripts); c.1516T>A, p.Phe506Ile (NM_001048172.2, NM_001407086.1, NM_001407071.1 and 1 more transcripts); c.1597T>A, p.Phe533Ile (NM_001128425.2); c.1558T>A, p.Phe520Ile (NM_001293190.2); c.1546T>A, p.Phe516Ile (NM_001293191.2, NM_001407069.1, NM_001407077.1); c.1237T>A, p.Phe413Ile (NM_001293192.2, NM_001293196.2, NM_001407091.1); c.1474T>A, p.Phe492Ile (NM_001407079.1); c.1471T>A, p.Phe491Ile (NM_001407080.1); and 5 more; short protein forms F413I, F505I, F530I, F506I, F516I, F390I, F512I, F519I.
Identifiers: ClinVar variation 4113418 (VCV004113418.1).